The following is an entry in ClinVar:

NM_006306.4(SMC1A):c.1661G>A (p.Arg554Gln)

Gene: SMC1A (structural maintenance of chromosomes 1A; minus strand). Cytogenetic location: Xp11.22.
Variant type: single nucleotide variant.
Coding change: c.1661G>A on transcript NM_006306.4 (MANE Select); coding-DNA position 1661, G replaced by A.
Protein change: p.Arg554Gln; replaces arginine 554 with glutamine.
Molecular consequence: missense variant.
Genome position (GRCh38, 1-based): chrX:53,405,841, C>T on the plus strand (G>A on the coding strand, the complement: SMC1A is on the minus strand). VCF-style: chrX-53405841-C-T. GRCh37 (hg19) VCF-style: chrX-53432773-C-T.
Other names: c.1595G>A, p.Arg532Gln (NM_001281463.1); short protein forms R532Q, R554Q.
Identifiers: ClinVar variation 4764386 (VCV004764386.1).

ClinVar aggregate classification (germline): Uncertain significance (1 of 4 stars; one submission).

Conditions:
Congenital muscular hypertrophy-cerebral syndrome (CDLS2). Also called: Cornelia de Lange syndrome 2; SMC1A-Related Cornelia de Lange Syndrome. Identifiers: Orphanet 199, MedGen C1802395, MONDO:0010370, OMIM 300590.

Submission:

Labcorp Genetics (formerly Invitae), Labcorp
Classification: Uncertain significance for Congenital muscular hypertrophy-cerebral syndrome. Last evaluated: 2025-10-19. Review status: criteria provided, single submitter. Criteria: Invitae Variant Classification Sherloc (09022015). Collection method: clinical testing. Allele origin: germline.
Comment: This sequence change replaces arginine, which is basic and polar, with glutamine, which is neutral and polar, at codon 554 of the SMC1A protein (p.Arg554Gln). This variant is not present in population databases (gnomAD no frequency). This variant has not been reported in the literature in individuals affected with SMC1A-related conditions. Invitae Evidence Modeling of protein sequence and biophysical properties (such as structural, functional, and spatial information, amino acid conservation, physicochemical variation, residue mobility, and thermodynamic stability) indicates that this missense variant is not expected to disrupt SMC1A protein function with a negative predictive value of 80%. In summary, the available evidence is currently insufficient to determine the role of this variant in disease. Therefore, it has been classified as a Variant of Uncertain Significance.